The following is an entry in ClinVar:

ClinVar aggregate classification (germline): Likely pathogenic. Review status: criteria provided, multiple submitters, no conflicts (2 of 4 stars). 3 submissions from 3 submitters: Likely pathogenic (2). 1 of the submissions does not count toward it. Last evaluated 2024-10-28.

Conditions:
IL1RN-related disorders.
Sterile multifocal osteomyelitis with periostitis and pustulosis. Also called: CHRONIC RECURRENT MULTIFOCAL OSTEOMYELITIS 2, WITH PERIOSTITIS AND PUSTULOSIS. Identifiers: Orphanet 210115, MedGen C2748507, MONDO:0013021, OMIM 612852.
Interstitial lung disease 2 (ILD2). Also called: Familial idiopathic pulmonary fibrosis; FIBROCYSTIC PULMONARY DYSPLASIA; FIBROSING ALVEOLITIS, CRYPTOGENIC. Identifiers: Orphanet 2032, Orphanet 79126, MedGen C5561926, MONDO:0800497, OMIM 178500, MONDO:0800029.

Allele frequency attached by ClinVar (database versions not stated): ExAC 0.00002; gnomAD 0.00002; gnomAD exomes 0.00002 and 0.00004; TOPMed 0.00004.
gnomAD v4.1: 29 of 1,614,116 alleles (0.0018%); highest among the groups gnomAD compares: East Asian, 0.06%; no homozygotes.

Submissions (4):

Blueprint Genetics
Classification: Likely pathogenic for IL1RN-related disorders. Last evaluated: 2024-10-28. Review status: criteria provided, single submitter. Criteria: ACMG Guidelines, 2015. Collection method: clinical testing. Allele origin: germline. Affected: yes. Observed: 2 variant alleles.

Labcorp Genetics (formerly Invitae), Labcorp
Classification: Likely pathogenic for Sterile multifocal osteomyelitis with periostitis and pustulosis. Last evaluated: 2024-08-28. Review status: criteria provided, single submitter. Criteria: Invitae Variant Classification Sherloc (09022015). Collection method: clinical testing. Allele origin: germline.
Comment: This sequence change affects an acceptor splice site in intron 2 of the IL1RN gene. It is expected to disrupt RNA splicing. Variants that disrupt the donor or acceptor splice site typically lead to a loss of protein function (PMID: 16199547), and loss-of-function variants in IL1RN are known to be pathogenic (PMID: 19494218, 21792839, 22940634, 26100510). This variant is present in population databases (rs763872895, gnomAD 0.06%). This variant has not been reported in the literature in individuals affected with IL1RN-related conditions. ClinVar contains an entry for this variant (Variation ID: 559539). Algorithms developed to predict the effect of sequence changes on RNA splicing suggest that this variant may disrupt the consensus splice site. In summary, the currently available evidence indicates that the variant is pathogenic, but additional data are needed to prove that conclusively. Therefore, this variant has been classified as Likely Pathogenic.

Department of Respiratory and Critical Care Medicine, Tongji Hospital, Tongji Medical College, Huazhong University of Science and Technology
Classification: Uncertain significance for Interstitial lung disease 2. Last evaluated: 2018-05-06. Review status: no assertion criteria provided. Collection method: case-control. Allele origin: germline. Affected: yes. Not counted in ClinVar's aggregate classification.

Dr. Peter K. Rogan Lab, Western University
No classification provided (evidence only). Condition: Malignant tumor of urinary bladder. Review status: no classification provided. Collection method: in vitro. Allele origin: not applicable. Functional consequence: retained intron. Not counted in ClinVar's aggregate classification.

Literature cited by the submitters: PubMed 16199547 (cited by Labcorp Genetics (formerly Invitae), Labcorp); PubMed 19494218 (cited by Labcorp Genetics (formerly Invitae), Labcorp); PubMed 21792839 (cited by Labcorp Genetics (formerly Invitae), Labcorp); PubMed 22940634 (cited by Labcorp Genetics (formerly Invitae), Labcorp); PubMed 26100510 (cited by Labcorp Genetics (formerly Invitae), Labcorp).

NM_173842.3(IL1RN):c.63A>G (p.Ser21=)

Gene: IL1RN (interleukin 1 receptor antagonist; plus strand). Cytogenetic location: 2q14.1.
Variant type: single nucleotide variant.
Coding change: c.63A>G on transcript NM_173842.3 (MANE Select); coding-DNA position 63, A replaced by G.
Protein change: p.Ser21=; no amino-acid change (serine 21 retained).
Molecular consequence: synonymous variant. On other transcripts: splice acceptor variant (5).
Genome position (GRCh38, 1-based): chr2:113,127,687, A>G. VCF-style: chr2-113127687-A-G. GRCh37 (hg19) VCF-style: chr2-113885264-A-G.
Other names: c.-38-2A>G (NM_001318914.2, NM_173843.3, NM_001379360.1); c.74-2A>G (NM_173841.3); c.11-2A>G (NM_000577.5).
Identifiers: ClinVar variation 559539 (VCV000559539.10), dbSNP rs763872895, ClinGen allele CA1838750.